The following is an entry in ClinVar:

ClinVar aggregate classification (germline): Uncertain significance. Review status: criteria provided, multiple submitters, no conflicts (2 of 4 stars). 2 submissions from 2 submitters: Uncertain significance (2). Last evaluated 2024-12-31.

Conditions:
Peroxisome biogenesis disorder 12A (Zellweger). Also called: Peroxisome biogenesis disorder 12A. Identifiers: Orphanet 912, MedGen C3554002, MONDO:0013951, OMIM 614886.
Inborn genetic diseases. Identifiers: MedGen C0950123, MeSH D030342.

Allele frequency attached by ClinVar (database versions not stated): gnomAD exomes 0.00002; ESP Exome Variant Server 0.00008.
gnomAD v4.1: 23 of 1,613,942 alleles (0.0014%); highest among the groups gnomAD compares: Middle Eastern, 0.033%; no homozygotes.

Submissions (2):

Ambry Genetics
Classification: Uncertain significance for Inborn genetic diseases. Last evaluated: 2024-12-31. Review status: criteria provided, single submitter. Criteria: Ambry Variant Classification Scheme 2023. Collection method: clinical testing. Allele origin: germline.

Labcorp Genetics (formerly Invitae), Labcorp
Classification: Uncertain significance for Peroxisome biogenesis disorder 12A (Zellweger). Last evaluated: 2024-12-24. Review status: criteria provided, single submitter. Criteria: Invitae Variant Classification Sherloc (09022015). Collection method: clinical testing. Allele origin: germline.
Comment: This sequence change replaces serine, which is neutral and polar, with leucine, which is neutral and non-polar, at codon 48 of the PEX19 protein (p.Ser48Leu). This variant is present in population databases (rs375153087, gnomAD 0.007%). This variant has not been reported in the literature in individuals affected with PEX19-related conditions. ClinVar contains an entry for this variant (Variation ID: 1039435). Invitae Evidence Modeling of protein sequence and biophysical properties (such as structural, functional, and spatial information, amino acid conservation, physicochemical variation, residue mobility, and thermodynamic stability) indicates that this missense variant is not expected to disrupt PEX19 protein function with a negative predictive value of 80%. In summary, the available evidence is currently insufficient to determine the role of this variant in disease. Therefore, it has been classified as a Variant of Uncertain Significance.

NM_002857.4(PEX19):c.143C>T (p.Ser48Leu)

Gene: PEX19 (peroxisomal biogenesis factor 19; minus strand). Cytogenetic location: 1q23.2.
Variant type: single nucleotide variant.
Coding change: c.143C>T on transcript NM_002857.4 (MANE Select); coding-DNA position 143, C replaced by T.
Protein change: p.Ser48Leu; replaces serine 48 with leucine.
Molecular consequence: missense variant. On other transcripts: non-coding transcript variant (1).
Genome position (GRCh38, 1-based): chr1:160,283,567, G>A on the plus strand (C>T on the coding strand, the complement: PEX19 is on the minus strand). VCF-style: chr1-160283567-G-A. GRCh37 (hg19) VCF-style: chr1-160253357-G-A.
Other names: c.143C>T, p.Ser48Leu (NM_001193644.1); c.143C>T (NM_002857.3); short protein forms S48L.
Identifiers: ClinVar variation 1039435 (VCV001039435.6), dbSNP rs375153087, ClinGen allele CA31525408.
Genomic context (GRCh38, chr1:160,283,567, plus strand): 5'-CCTTAAGGGGGTGGAATTTATACTTTGGCAGTGTCTCCTGGCGATCTCTTCTGGGGCCCC[G>A]AAGCATCAGGGGCCGTGGTGGTAGAAGGGGGTGCTGGGGAGGGTTTGGCTTTATCGAAAT-3'
Protein context (NP_002848.1, residues 38-58): PPSTTTAPDA[Ser48Leu]GPQKRSPGDT